The following is an entry in ClinVar:

ClinVar aggregate classification (germline): Uncertain significance (1 of 4 stars; one submission).

Conditions:
Immunodeficiency. Identifiers: MedGen C0021051, MONDO:0021094, HP:0002721.

gnomAD v4.1: 8 of 1,614,148 alleles (0.0005%); highest among the groups gnomAD compares: Non-Finnish European, 0.00042%; no homozygotes.

Submission:

Labcorp Genetics (formerly Invitae), Labcorp
Classification: Uncertain significance for Immunodeficiency. Last evaluated: 2025-09-08. Review status: criteria provided, single submitter. Criteria: Invitae Variant Classification Sherloc (09022015). Collection method: clinical testing. Allele origin: germline.
Comment: This sequence change replaces glutamic acid, which is acidic and polar, with lysine, which is basic and polar, at codon 1293 of the NFAT5 protein (p.Glu1293Lys). This variant is not present in population databases (gnomAD no frequency). This variant has not been reported in the literature in individuals affected with NFAT5-related conditions. ClinVar contains an entry for this variant (Variation ID: 1380481). An algorithm developed to predict the effect of missense changes on protein structure and function (PolyPhen-2) suggests that this variant is likely to be tolerated. In summary, the available evidence is currently insufficient to determine the role of this variant in disease. Therefore, it has been classified as a Variant of Uncertain Significance.

NM_138713.4(NFAT5):c.4159G>A (p.Glu1387Lys)

Gene: NFAT5 (nuclear factor of activated T cells 5; plus strand). Cytogenetic location: 16q22.1.
Variant type: single nucleotide variant.
Coding change: c.4159G>A on transcript NM_138713.4 (MANE Select); coding-DNA position 4159, G replaced by A.
Protein change: p.Glu1387Lys; replaces glutamic acid 1387 with lysine.
Molecular consequence: missense variant.
Genome position (GRCh38, 1-based): chr16:69,693,984, G>A. VCF-style: chr16-69693984-G-A. GRCh37 (hg19) VCF-style: chr16-69727887-G-A.
Other names: c.4156G>A, p.Glu1386Lys (NM_001113178.3); c.3484G>A, p.Glu1162Lys (NM_001367709.1); c.4105G>A, p.Glu1369Lys (NM_006599.4); c.3877G>A, p.Glu1293Lys (NM_138714.4, NM_173214.3, NM_173215.3); short protein forms E1162K, E1293K, E1387K, E1386K, E1369K.
Identifiers: ClinVar variation 1380481 (VCV001380481.6), dbSNP rs2151723972, ClinGen allele CA396515047.